The following is an entry in ClinVar:

NM_005677.4(COLQ):c.524C>T (p.Ser175Phe)

Gene: COLQ (collagen like tail subunit of asymmetric acetylcholinesterase; minus strand). Cytogenetic location: 3p25.1.
Variant type: single nucleotide variant.
Coding change: c.524C>T on transcript NM_005677.4 (MANE Select); coding-DNA position 524, C replaced by T.
Protein change: p.Ser175Phe; replaces serine 175 with phenylalanine.
Molecular consequence: missense variant.
Genome position (GRCh38, 1-based): chr3:15,475,429, G>A on the plus strand (C>T on the coding strand, the complement: COLQ is on the minus strand). VCF-style: chr3-15475429-G-A. GRCh37 (hg19) VCF-style: chr3-15516936-G-A.
Other names: c.494C>T, p.Ser165Phe (NM_080538.2); c.422C>T, p.Ser141Phe (NM_080539.4); short protein forms S165F, S141F, S175F.
Identifiers: ClinVar variation 948339 (VCV000948339.8), dbSNP rs1310878358, ClinGen allele CA351598933.

ClinVar aggregate classification (germline): Uncertain significance. Review status: criteria provided, multiple submitters, no conflicts (2 of 4 stars). 4 submissions from 4 submitters: Uncertain significance (4). Last evaluated 2023-11-07.

Conditions:
Congenital myasthenic syndrome 5. Identifiers: Orphanet 590, MedGen C1864233, MONDO:0011281, OMIM 603034.

Allele frequency attached by ClinVar (database versions not stated): TOPMed 0.00001.
gnomAD v4.1: 4 of 1,597,410 alleles (0.00025%); highest among the groups gnomAD compares: Non-Finnish European, 0.00034%; no homozygotes.

Submissions (4):

Blueprint Genetics
Classification: Uncertain significance. Last evaluated: 2023-11-07. Review status: criteria provided, single submitter. Criteria: ACMG Guidelines, 2015. Collection method: clinical testing. Allele origin: germline.

Labcorp Genetics (formerly Invitae), Labcorp
Classification: Uncertain significance for Congenital myasthenic syndrome 5. Last evaluated: 2021-11-03. Review status: criteria provided, single submitter. Criteria: Invitae Variant Classification Sherloc (09022015). Collection method: clinical testing. Allele origin: germline.
Comment: This sequence change replaces serine, which is neutral and polar, with phenylalanine, which is neutral and non-polar, at codon 175 of the COLQ protein (p.Ser175Phe). This variant is present in population databases (no rsID available, gnomAD 0.007%). This variant has not been reported in the literature in individuals affected with COLQ-related conditions. ClinVar contains an entry for this variant (Variation ID: 948339). Algorithms developed to predict the effect of missense changes on protein structure and function output the following: SIFT: "Tolerated"; PolyPhen-2: "Not Available"; Align-GVGD: "Class C0". The phenylalanine amino acid residue is found in multiple mammalian species, which suggests that this missense change does not adversely affect protein function. In summary, the available evidence is currently insufficient to determine the role of this variant in disease. Therefore, it has been classified as a Variant of Uncertain Significance.

GeneDx
Classification: Uncertain significance. Last evaluated: 2020-02-16. Review status: criteria provided, single submitter. Criteria: GeneDx Variant Classification Process June 2021. Collection method: clinical testing. Allele origin: germline. Affected: yes.
Comment: Not observed in large population cohorts (Lek et al., 2016); In silico analysis supports that this missense variant has a deleterious effect on protein structure/function; Has not been previously published as pathogenic or benign to our knowledge

Revvity Omics, Revvity
Classification: Uncertain significance for Congenital myasthenic syndrome 5. Last evaluated: 2019-11-16. Review status: criteria provided, single submitter. Criteria: ACMG Guidelines, 2015. Collection method: clinical testing. Allele origin: germline.